The following is an entry in ClinVar:

ClinVar aggregate classification (germline): Pathogenic/Likely pathogenic. Review status: criteria provided, multiple submitters, no conflicts (2 of 4 stars). 5 submissions from 4 submitters: Pathogenic (2); Likely pathogenic (2). 1 of the submissions does not count toward it. Last evaluated 2025-09-10.

Conditions:
Non-immune hydrops fetalis (NIHF). Also called: Fetal edema; Idiopathic hydrops fetalis; Familial non-immune hydrops fetalis. Identifiers: Orphanet 363999, MedGen C0455988, MONDO:0009369, OMIM 236750, HP:0001790.
Mucopolysaccharidosis type 7 (MPS7). Also called: MPS VII; BETA-GLUCURONIDASE DEFICIENCY; SLY SYNDROME; GUSB DEFICIENCY. Identifiers: Orphanet 584, MedGen C0085132, MONDO:0009662, OMIM 253220.

Allele frequency attached by ClinVar (database versions not stated): gnomAD 0.00001; gnomAD exomes 0.00001 and 0.00002; TOPMed 0.00001; ExAC 0.00002.
gnomAD v4.1: 19 of 1,613,900 alleles (0.0012%); highest among the groups gnomAD compares: African/African-American, 0.004%; no homozygotes.

Submissions (5):

Genomic Medicine Center of Excellence, King Faisal Specialist Hospital and Research Centre
Classification: Pathogenic for Mucopolysaccharidosis type 7. Last evaluated: 2025-09-10. Review status: criteria provided, single submitter. Criteria: ACMG Guidelines, 2015. Collection method: clinical testing. Allele origin: germline.

Labcorp Genetics (formerly Invitae), Labcorp
Classification: Pathogenic for Mucopolysaccharidosis type 7. Last evaluated: 2024-02-07. Review status: criteria provided, single submitter. Criteria: Invitae Variant Classification Sherloc (09022015). Collection method: clinical testing. Allele origin: germline.
Comment: This sequence change replaces arginine, which is basic and polar, with cysteine, which is neutral and slightly polar, at codon 382 of the GUSB protein (p.Arg382Cys). This variant is present in population databases (rs121918173, gnomAD 0.01%). This missense change has been observed in individual(s) with mucopolysaccharidosis type VII (PMID: 1779626, 8644704, 29620724). In at least one individual the data is consistent with being in trans (on the opposite chromosome) from a pathogenic variant. ClinVar contains an entry for this variant (Variation ID: 894). Advanced modeling of protein sequence and biophysical properties (such as structural, functional, and spatial information, amino acid conservation, physicochemical variation, residue mobility, and thermodynamic stability) performed at Invitae indicates that this missense variant is expected to disrupt GUSB protein function with a positive predictive value of 80%. Experimental studies have shown that this missense change affects GUSB function (PMID: 1779626, 8644704). This variant disrupts the p.Arg382 amino acid residue in GUSB. Other variant(s) that disrupt this residue have been determined to be pathogenic (PMID: 8644704, 31497474). This suggests that this residue is clinically significant, and that variants that disrupt this residue are likely to be disease-causing. For these reasons, this variant has been classified as Pathogenic.

Fulgent Genetics
Classification: Likely pathogenic for Mucopolysaccharidosis type 7. Last evaluated: 2018-10-31. Review status: criteria provided, single submitter. Criteria: ACMG Guidelines, 2015. Collection method: clinical testing. Allele origin: unknown.

Genomic Medicine Center of Excellence, King Faisal Specialist Hospital and Research Centre
Classification: Likely pathogenic for Non-Immune hydrops fetalis. Last evaluated: 2013-01-13. Review status: criteria provided, single submitter. Criteria: Submitter's publication. Collection method: research. Allele origin: germline. Affected: yes. Observed: 1 homozygote.

OMIM
Classification: Pathogenic for MUCOPOLYSACCHARIDOSIS, TYPE VII. Last evaluated: 1991-01-01. Review status: no assertion criteria provided. Collection method: literature only. Allele origin: germline. Not counted in ClinVar's aggregate classification.

Literature cited by the submitters: PubMed 1779626 (cited by Labcorp Genetics (formerly Invitae), Labcorp); PubMed 8644704 (cited by Labcorp Genetics (formerly Invitae), Labcorp); PubMed 29620724 (cited by Labcorp Genetics (formerly Invitae), Labcorp); PubMed 31497474 (cited by Labcorp Genetics (formerly Invitae), Labcorp); PubMed 1702266 (cited by OMIM).

NM_000181.4(GUSB):c.1144C>T (p.Arg382Cys)

Gene: GUSB (glucuronidase beta; minus strand). Cytogenetic location: 7q11.21.
Variant type: single nucleotide variant.
Coding change: c.1144C>T on transcript NM_000181.4 (MANE Select); coding-DNA position 1144, C replaced by T.
Protein change: p.Arg382Cys; replaces arginine 382 with cysteine.
Molecular consequence: missense variant. On other transcripts: non-coding transcript variant (1).
Genome position (GRCh38, 1-based): chr7:65,974,626, G>A on the plus strand (C>T on the coding strand, the complement: GUSB is on the minus strand). VCF-style: chr7-65974626-G-A. GRCh37 (hg19) VCF-style: chr7-65439613-G-A.
Other names: c.706C>T, p.Arg236Cys (NM_001284290.2); c.574C>T, p.Arg192Cys (NM_001293104.2); c.487C>T, p.Arg163Cys (NM_001293105.2); short protein forms R382C, R192C, R163C, R236C.
Identifiers: ClinVar variation 894 (VCV000000894.9), dbSNP rs121918173, ClinGen allele CA199699.
Genomic context (GRCh38, chr7:65,974,626, plus strand): 5'-CAATCCCATAGCGGTCACACATCTGCATCACTTCCTCTGCATAGGGGTAGTGGCTGGTAC[G>A]GAAAGCGTTGGCACCAAGCCAGCGAAGCAGGTTGAAGTCCTTCACCAGCAGCGGCCAGTC-3'
Protein context (NP_000172.2, residues 372-392): LLRWLGANAF[Arg382Cys]TSHYPYAEEV